The following is an entry in ClinVar:

ClinVar aggregate classification (germline): Uncertain significance (1 of 4 stars; one submission).

Conditions:
CLTC-related disorder. Also called: CLTC-related condition.

Submission:

PreventionGenetics, part of Exact Sciences
Classification: Uncertain significance for CLTC-related condition. Last evaluated: 2023-01-30. Review status: criteria provided, single submitter. Criteria: ACMG Guidelines, 2015. Collection method: clinical testing. Allele origin: germline.
Comment: The CLTC c.4839G>A variant is not predicted to result in an amino acid change (p.=). This variant is predicted to alter splicing based on available splicing prediction programs (Alamut Visual v1.6.1). However, no other downstream splicing variants have been reported. To our knowledge, this variant has not been reported in the literature or in a large population database, indicating this variant is rare. While this variant may be causative, at this time, the clinical significance of this variant is uncertain due to the absence of conclusive functional and genetic evidence.

NM_004859.4(CLTC):c.4827G>A (p.Lys1609=)

Gene: CLTC (clathrin heavy chain; plus strand). Cytogenetic location: 17q23.1.
Variant type: single nucleotide variant.
Coding change: c.4827G>A on transcript NM_004859.4 (MANE Select); coding-DNA position 4827, G replaced by A.
Protein change: p.Lys1609=; no amino-acid change (lysine 1609 retained).
Molecular consequence: synonymous variant.
Genome position (GRCh38, 1-based): chr17:59,685,808, G>A. VCF-style: chr17-59685808-G-A. GRCh37 (hg19) VCF-style: chr17-57763169-G-A.
Other names: c.4839G>A, p.Lys1613= (NM_001288653.2).
Identifiers: ClinVar variation 2630191 (VCV002630191.1), dbSNP rs2509158862, ClinGen allele CA501094001.
Genomic context (GRCh38, chr17:59,685,808, plus strand): 5'-CAATATCATGGATTTTGCCATGCCCTATTTCATCCAGGTCATGAAGGAGTACTTGACAAA[G>A]GTAATGACTCTTCTAAGTGTATTCAGAACTAGTTTCCTTGCATGTAAAATTCTACATGCA-3'
Protein context (NP_004850.1, residues 1599-1619): FIQVMKEYLT[Lys1609=]VDKLDASESL